The following is an entry in ClinVar:

NM_003073.5(SMARCB1):c.496del (p.Leu166fs)

Gene: SMARCB1 (SWI/SNF related BAF chromatin remodeling complex subunit B1; plus strand). Cytogenetic location: 22q11.23.
Variant type: Deletion.
Coding change: c.496del on transcript NM_003073.5 (MANE Select); coding-DNA position 496, one base deleted (C; older notation c.496delC).
Protein change: p.Leu166fs; shifts the reading frame from leucine 166.
Molecular consequence: frameshift variant.
Genome position (GRCh38, 1-based): chr22:23,801,077, C deleted; the last of 5 consecutive C bases (chr22:23,801,073-23,801,077); deleting any one gives the same sequence. VCF-style (leftmost placement, unchanged base first): chr22-23801072-TC-T. GRCh37 (hg19) VCF-style: chr22-24143259-TC-T.
Other names: c.469del, p.Leu157fs (NM_001007468.3, NM_001317946.2); c.496del, p.Leu166fs (NM_001362877.2); short protein forms L157fs, L166fs.
Identifiers: ClinVar variation 855654 (VCV000855654.7), dbSNP rs1929117983, ClinGen allele CA916081971.

ClinVar aggregate classification (germline): Pathogenic (1 of 4 stars; one submission).

Submission:

Labcorp Genetics (formerly Invitae), Labcorp
Classification: Pathogenic. Last evaluated: 2019-02-19. Review status: criteria provided, single submitter. Criteria: Invitae Variant Classification Sherloc (09022015). Collection method: clinical testing. Allele origin: germline.
Comment: For these reasons, this variant has been classified as Pathogenic. Loss-of-function variants in SMARCB1 are known to be pathogenic (PMID: 10521299, 21208904). This variant has not been reported in the literature in individuals with SMARCB1-related conditions. This variant is not present in population databases (ExAC no frequency). This sequence change creates a premature translational stop signal (p.Leu166Phefs*10) in the SMARCB1 gene. It is expected to result in an absent or disrupted protein product.

Literature cited by the submitters: PubMed 10521299; PubMed 21208904.